The following is an entry in ClinVar:

ClinVar aggregate classification (germline): Uncertain significance (1 of 4 stars; one submission).

Submission:

Labcorp Genetics (formerly Invitae), Labcorp
Classification: Uncertain significance. Last evaluated: 2025-01-06. Review status: criteria provided, single submitter. Criteria: Invitae Variant Classification Sherloc (09022015). Collection method: clinical testing. Allele origin: germline.
Comment: This variant, c.679_687del, results in the deletion of 3 amino acid(s) of the WARS2 protein (p.Met227_Lys229del), but otherwise preserves the integrity of the reading frame. This variant is not present in population databases (gnomAD no frequency). This variant has not been reported in the literature in individuals affected with WARS2-related conditions. ClinVar contains an entry for this variant (Variation ID: 1940866). Experimental studies and prediction algorithms are not available or were not evaluated, and the functional significance of this variant is currently unknown. In summary, the available evidence is currently insufficient to determine the role of this variant in disease. Therefore, it has been classified as a Variant of Uncertain Significance.

NM_015836.4(WARS2):c.679_687del (p.Met227_Lys229del)

Gene: WARS2 (tryptophanyl tRNA synthetase 2, mitochondrial; minus strand). Cytogenetic location: 1p12.
Variant type: Deletion.
Coding change: c.679_687del on transcript NM_015836.4 (MANE Select); coding-DNA positions 679 to 687, 9 bases deleted (ATGTCGAAA; older notation c.679_687delATGTCGAAA).
Protein change: p.Met227_Lys229del.
Molecular consequence: inframe deletion. On other transcripts: 3 prime UTR variant (2).
Genome position (GRCh38, 1-based): chr1:119,033,307-119,033,315, TTTCGACAT deleted on the plus strand (ATGTCGAAA on the coding strand, the reverse complement: WARS2 is on the minus strand); deleting any 9 consecutive bases within chr1:119,033,307-119,033,318 gives the same sequence; the c. name uses the placement nearest the transcript's 3' end. VCF-style (leftmost placement, unchanged base first): chr1-119033306-ATTTCGACAT-A. GRCh37 (hg19) VCF-style: chr1-119575929-ATTTCGACAT-A.
Other names: c.610_618del, p.Met204_Lys206del (NM_001378226.1, NM_001378227.1); c.508_516del, p.Met170_Lys172del (NM_001378228.1); c.421_429del, p.Met141_Lys143del (NM_001378229.1); c.397_405del, p.Met133_Lys135del (NM_001378230.1); c.*14_*22del (NM_001378231.1); c.*45_*53del (NM_201263.2).
Identifiers: ClinVar variation 1940866 (VCV001940866.5), dbSNP rs2524939832, ClinGen allele CA2580060883.